The following is an entry in ClinVar:

ClinVar aggregate classification (germline): Uncertain significance (1 of 4 stars; one submission).

Submission:

Dasa
Classification: Uncertain significance. Last evaluated: 2025-02-25. Review status: criteria provided, single submitter. Criteria: DASA Assertion Criteria. Collection method: clinical testing. Allele origin: germline.
Comment: NM_000327.4(ROM1):c.739A>C (p.Asn247His) is a missense variant that results in the substitution of asparagine with histidine. This variant is absent from population databases. Computational prediction algorithms are consistent with a deleterious effect. The currently available literature and clinical evidence are not sufficient to establish a definitive association between this variant and the reported condition. Therefore, this variant is classified as a variant of uncertain significance.

NM_000327.4(ROM1):c.739A>C (p.Asn247His)

Gene: ROM1 (retinal outer segment membrane protein 1; plus strand). Cytogenetic location: 11q12.3.
Variant type: single nucleotide variant.
Coding change: c.739A>C on transcript NM_000327.4 (MANE Select); coding-DNA position 739, A replaced by C.
Protein change: p.Asn247His; replaces asparagine 247 with histidine.
Molecular consequence: missense variant.
Genome position (GRCh38, 1-based): chr11:62,614,406, A>C. VCF-style: chr11-62614406-A-C. GRCh37 (hg19) VCF-style: chr11-62381878-A-C.
Other names: short protein forms N247H.
Identifiers: ClinVar variation 5020992 (VCV005020992.1).